The following is an entry in ClinVar:

ClinVar aggregate classification (germline): Uncertain significance (1 of 4 stars; one submission).

Allele frequency attached by ClinVar (database versions not stated): gnomAD exomes below 0.00001; TOPMed below 0.00001; ExAC 0.00001.
gnomAD v4.1: 2 of 1,613,630 alleles (0.00012%); highest among the groups gnomAD compares: Admixed American, 0.0033%; no homozygotes.

Submission:

Labcorp Genetics (formerly Invitae), Labcorp
Classification: Uncertain significance. Last evaluated: 2022-09-17. Review status: criteria provided, single submitter. Criteria: Invitae Variant Classification Sherloc (09022015). Collection method: clinical testing. Allele origin: germline.
Comment: This sequence change replaces lysine, which is basic and polar, with arginine, which is basic and polar, at codon 1558 of the LRP5 protein (p.Lys1558Arg). This variant is present in population databases (rs752089268, gnomAD 0.006%). This variant has not been reported in the literature in individuals affected with LRP5-related conditions. Advanced modeling of protein sequence and biophysical properties (such as structural, functional, and spatial information, amino acid conservation, physicochemical variation, residue mobility, and thermodynamic stability) performed at Invitae indicates that this missense variant is not expected to disrupt LRP5 protein function. In summary, the available evidence is currently insufficient to determine the role of this variant in disease. Therefore, it has been classified as a Variant of Uncertain Significance.

NM_002335.4(LRP5):c.4673A>G (p.Lys1558Arg)

Gene: LRP5 (LDL receptor related protein 5; plus strand). Cytogenetic location: 11q13.2.
Variant type: single nucleotide variant.
Coding change: c.4673A>G on transcript NM_002335.4 (MANE Select); coding-DNA position 4673, A replaced by G.
Protein change: p.Lys1558Arg; replaces lysine 1558 with arginine.
Molecular consequence: missense variant.
Genome position (GRCh38, 1-based): chr11:68,448,895, A>G. VCF-style: chr11-68448895-A-G. GRCh37 (hg19) VCF-style: chr11-68216363-A-G.
Other names: c.2930A>G, p.Lys977Arg (NM_001291902.2); short protein forms K1558R, K977R.
Identifiers: ClinVar variation 2135372 (VCV002135372.4), dbSNP rs752089268, ClinGen allele CA6150482.